The following is an entry in ClinVar:

NM_001370658.1(BTD):c.-17+19_-17+39del

Gene: BTD (biotinidase; plus strand). Cytogenetic location: 3p25.1.
Variant type: Deletion.
Coding change: c.-17+19_-17+39del on transcript NM_001370658.1 (MANE Select); bases 19 to 39 of the intron after 17 bases upstream of the start codon, 21 bases deleted (GCGGCGCGGAGGGGGTGTGGT).
Molecular consequence: intron variant.
Genome position (GRCh38, 1-based): chr3:15,601,913-15,601,933, GCGGCGCGGAGGGGGTGTGGT deleted; deleting any 21 consecutive bases within chr3:15,601,908-15,601,933 gives the same sequence; the c. name uses the placement nearest the transcript's 3' end. VCF-style (leftmost placement, unchanged base first): chr3-15601907-CGTGGTGCGGCGCGGAGGGGGT-C. GRCh37 (hg19) VCF-style: chr3-15643414-CGTGGTGCGGCGCGGAGGGGGT-C.
Other names: c.-17+266_-17+286del (NM_001407365.1); c.-17+19_-17+39del (NM_001370752.1, NM_001370753.1, NM_001407400.1 and 3 more transcripts); c.-582+19_-582+39del (NM_001407366.1); c.-568+19_-568+39del (NM_001407369.1); c.-191+19_-191+39del (NM_001407374.1, NM_001407390.1); c.-174+19_-174+39del (NM_001407372.1); c.-205+19_-205+39del (NM_001281724.3); c.-136+19_-136+39del (NM_001407373.1); and 6 more.
Identifiers: ClinVar variation 1479599 (VCV001479599.9), dbSNP rs1559571027, ClinGen allele CA541345433.
Genomic context (GRCh38, chr3:15,601,907, plus strand): 5'-GAGAATGGCGCATGCGCATATTCAGGGCGGAAGGCGCGCTAAGAGCAGGTACGGAGGGGG[CGTGGTGCGGCGCGGAGGGGGT>C]GTGGTAAGGGCGTGCGGTCCAGACCCCGCCCCGGGCGCCCAGTTGGACTTGGGGAGGGCT-3'

ClinVar aggregate classification (germline): Uncertain significance (1 of 4 stars; one submission).

Conditions:
Biotinidase deficiency. Also called: Biotin deficiency; BTD deficiency; Late-onset biotin-responsive multiple carboxylase deficiency. Identifiers: Orphanet 79241, MedGen C0220754, MONDO:0009665, OMIM 253260.

Submission:

Labcorp Genetics (formerly Invitae), Labcorp
Classification: Uncertain significance for Biotinidase deficiency. Last evaluated: 2023-08-24. Review status: criteria provided, single submitter. Criteria: Invitae Variant Classification Sherloc (09022015). Collection method: clinical testing. Allele origin: germline.
Comment: In summary, the available evidence is currently insufficient to determine the role of this variant in disease. Therefore, it has been classified as a Variant of Uncertain Significance. Variants that disrupt the consensus splice site are a relatively common cause of aberrant splicing (PMID: 17576681, 9536098). ClinVar contains an entry for this variant (Variation ID: 1479599). This variant has not been reported in the literature in individuals affected with BTD-related conditions. This variant is present in population databases (no rsID available, gnomAD 0.0009%). This sequence change falls in intron 1 of the BTD gene. It does not directly change the encoded amino acid sequence of the BTD protein. It affects a nucleotide within the consensus splice site.

Literature cited by the submitters: PubMed 17576681; PubMed 9536098.